The following is an entry in ClinVar:

ClinVar aggregate classification (germline): Uncertain significance (1 of 4 stars; one submission).

Submission:

Ambry Genetics
Classification: Uncertain significance. Last evaluated: 2021-12-10. Review status: criteria provided, single submitter. Criteria: Ambry Variant Classification Scheme 2023. Collection method: clinical testing. Allele origin: germline.
Comment: The p.L4R variant (also known as c.11T>G), located in coding exon 1 of the PALLD gene, results from a T to G substitution at nucleotide position 11. The leucine at codon 4 is replaced by arginine, an amino acid with dissimilar properties. This amino acid position is conserved. In addition, this alteration is predicted to be tolerated by in silico analysis. Since supporting evidence is limited at this time, the clinical significance of this alteration remains unclear.

NM_001166108.2(PALLD):c.1965-13020T>G

Gene: PALLD (palladin, cytoskeletal associated protein; plus strand). Cytogenetic location: 4q32.3.
Variant type: single nucleotide variant.
Coding change: c.1965-13020T>G on transcript NM_001166108.2 (MANE Select); 13020 bases into the intron before coding-DNA position 1965, T replaced by G.
Molecular consequence: intron variant. On other transcripts: missense variant (1).
Genome position (GRCh38, 1-based): chr4:168,877,902, T>G. VCF-style: chr4-168877902-T-G. GRCh37 (hg19) VCF-style: chr4-169799053-T-G.
Other names: c.11T>G, p.Leu4Arg (NM_001166110.2); c.1965-13020T>G (NM_016081.4); c.819-13020T>G (NM_001166109.2); c.-157-13020T>G (NM_001367570.1, NM_001367568.1, NM_001367567.1 and 1 more transcripts); short protein forms L4R.
Identifiers: ClinVar variation 1747215 (VCV001747215.2), dbSNP rs1751991299, ClinGen allele CA358794640.